The following is an entry in ClinVar:

ClinVar aggregate classification (germline): Likely pathogenic (1 of 4 stars; one submission).

Conditions:
Dilated cardiomyopathy 1G (CMD1G). Identifiers: Orphanet 154, MedGen C1858763, MONDO:0011400, OMIM 604145.
Autosomal recessive limb-girdle muscular dystrophy type 2J (LGMDR10). Also called: Limb-girdle muscular dystrophy, type 2J; MUSCULAR DYSTROPHY, LIMB-GIRDLE, AUTOSOMAL RECESSIVE 10. Identifiers: Orphanet 140922, MedGen C1837342, MONDO:0012127, OMIM 608807.

Submission:

Labcorp Genetics (formerly Invitae), Labcorp
Classification: Likely pathogenic for Dilated cardiomyopathy 1G; Autosomal recessive limb-girdle muscular dystrophy type 2J. Last evaluated: 2020-04-26. Review status: criteria provided, single submitter. Criteria: Invitae Variant Classification Sherloc (09022015). Collection method: clinical testing. Allele origin: germline.
Comment: In summary, the currently available evidence indicates that the variant is pathogenic, but additional data are needed to prove that conclusively. Therefore, this variant has been classified as Likely Pathogenic. This variant is located in the A band of TTN (PMID: 25589632). Truncating variants in this region are significantly overrepresented in patients affected with dilated cardiomyopathy (PMID: 25589632). Truncating variants in this region have also been reported in individuals affected with autosomal recessive centronuclear myopathy (PMID: 23975875). This variant has not been reported in the literature in individuals with TTN-related conditions. This variant is not present in population databases (ExAC no frequency). This sequence change results in a premature translational stop signal in the TTN gene (p.Glu28024Leufs*20). While this is not anticipated to result in nonsense mediated decay, it is expected to create a truncated TTN protein.

Literature cited by the submitters: PubMed 25589632; PubMed 23975875.

NM_001267550.2(TTN):c.84070_84073del (p.Glu28024fs)

Genes: TTN-AS1 (TTN antisense RNA 1; plus strand), TTN (titin; minus strand). Cytogenetic location: 2q31.2.
Variant type: Deletion.
Coding change: c.84070_84073del on transcript NM_001267550.2 (MANE Select); coding-DNA positions 84070 to 84073, 4 bases deleted (GAAG; older notation c.84070_84073delGAAG).
Protein change: p.Glu28024fs; shifts the reading frame from glutamic acid 28024.
Molecular consequence: frameshift variant.
Genome position (GRCh38, 1-based): chr2:178,562,059-178,562,062, CTTC deleted on the plus strand (GAAG on the coding strand, the reverse complement: TTN is on the minus strand); deleting any 4 consecutive bases within chr2:178,562,059-178,562,065 gives the same sequence; the c. name uses the placement nearest the transcript's 3' end. VCF-style (leftmost placement, unchanged base first): chr2-178562058-GCTTC-G. GRCh37 (hg19) VCF-style: chr2-179426785-GCTTC-G.
Other names: c.79147_79150del, p.Glu26383fs (NM_001256850.1); c.56875_56878del, p.Glu18959fs (NM_003319.4); c.76366_76369del, p.Glu25456fs (NM_133378.4); c.57250_57253del, p.Glu19084fs (NM_133432.3); c.57451_57454del, p.Glu19151fs (NM_133437.4); short protein forms E18959fs, E19084fs, E19151fs, E25456fs, E26383fs, E28024fs.
Identifiers: ClinVar variation 1068312 (VCV001068312.9), dbSNP rs2154160472, ClinGen allele CA2499215344.